The following is an entry in ClinVar:

ClinVar aggregate classification (germline): Uncertain significance (1 of 4 stars; one submission).

Conditions:
Pancreatic adenocarcinoma. Identifiers: MedGen C0281361, MONDO:0006047, HP:0006725.

Submission:

Labcorp Genetics (formerly Invitae), Labcorp
Classification: Uncertain significance for Pancreatic adenocarcinoma. Last evaluated: 2023-01-17. Review status: criteria provided, single submitter. Criteria: Invitae Variant Classification Sherloc (09022015). Collection method: clinical testing. Allele origin: germline.
Comment: In summary, the available evidence is currently insufficient to determine the role of this variant in disease. Therefore, it has been classified as a Variant of Uncertain Significance. Algorithms developed to predict the effect of missense changes on protein structure and function are either unavailable or do not agree on the potential impact of this missense change (SIFT: "Deleterious"; PolyPhen-2: "Benign"; Align-GVGD: "Class C65"). This variant has not been reported in the literature in individuals affected with PALLD-related conditions. This variant is not present in population databases (gnomAD no frequency). This sequence change replaces proline, which is neutral and non-polar, with arginine, which is basic and polar, at codon 41 of the PALLD protein (p.Pro41Arg).

NM_001166108.2(PALLD):c.1965-12909C>G

Gene: PALLD (palladin, cytoskeletal associated protein; plus strand). Cytogenetic location: 4q32.3.
Variant type: single nucleotide variant.
Coding change: c.1965-12909C>G on transcript NM_001166108.2 (MANE Select); 12909 bases into the intron before coding-DNA position 1965, C replaced by G.
Molecular consequence: intron variant. On other transcripts: missense variant (1).
Genome position (GRCh38, 1-based): chr4:168,878,013, C>G. VCF-style: chr4-168878013-C-G. GRCh37 (hg19) VCF-style: chr4-169799164-C-G.
Other names: c.122C>G, p.Pro41Arg (NM_001166110.2); c.1965-12909C>G (NM_016081.4); c.819-12909C>G (NM_001166109.2); c.-157-12909C>G (NM_001367570.1, NM_001367568.1, NM_001367567.1 and 1 more transcripts); short protein forms P41R.
Identifiers: ClinVar variation 2905917 (VCV002905917.3), dbSNP rs1015571748, ClinGen allele CA358795099.
Genomic context (GRCh38, chr4:168,878,013, plus strand): 5'-CGCGCCCCAAGCAGTTCATCGCCGCGCAGAACCTCGGGCCCGCGTCGGGCCACGGCACGC[C>G]GGCCTCCAGCCCCAGCTCGTCCAGCCTCCCGTCGCCCATGTCCCCGACGCCGAGGCAGTT-3'